The following is an entry in ClinVar:

NM_003482.4(KMT2D):c.15854C>G (p.Pro5285Arg)

Gene: KMT2D (lysine methyltransferase 2D; minus strand). Cytogenetic location: 12q13.12.
Variant type: single nucleotide variant.
Coding change: c.15854C>G on transcript NM_003482.4 (MANE Select); coding-DNA position 15854, C replaced by G.
Protein change: p.Pro5285Arg; replaces proline 5285 with arginine.
Molecular consequence: missense variant.
Genome position (GRCh38, 1-based): chr12:49,024,877, G>C on the plus strand (C>G on the coding strand, the complement: KMT2D is on the minus strand). VCF-style: chr12-49024877-G-C. GRCh37 (hg19) VCF-style: chr12-49418660-G-C.
Other names: short protein forms P5285R.
Identifiers: ClinVar variation 451141 (VCV000451141.2), dbSNP rs1555185337, ClinGen allele CA384683061.

ClinVar aggregate classification (germline): Likely pathogenic (1 of 4 stars; one submission).

Submission:

GeneDx
Classification: Likely pathogenic. Last evaluated: 2017-08-04. Review status: criteria provided, single submitter. Criteria: GeneDx Variant Classification (06012015). Collection method: clinical testing. Allele origin: germline. Affected: yes.
Comment: The c.15854C>G variant in the KMT2D gene has not been reported previously as a pathogenic variant nor as a benign variant, to our knowledge. The c.15854C>G variant is not observed in large population cohorts (Lek et al., 2016; 1000 Genomes Consortium et al., 2015; Exome Variant Server). In silico splice prediction models predict that c.15854C>G may create a cryptic splice donor site in exon 49 that could supplant the natural splice donor site. However, in the absence of RNA/functional studies, the actual effect of this sequence change in this individual is unknown. If c.15854C>G does not alter splicing, it will result in the P5285R missense change. The P5285R variant is a non-conservative amino acid substitution, which is likely to impact secondary protein structure as these residues differ in polarity, charge, size and/or other properties. This substitution occurs at a position that is conserved in mammals, and in silico analysis predicts this variant is probably damaging to the protein structure/function. We interpret c.15854C>G as a likely pathogenic variant.